The following is an entry in ClinVar:

ClinVar aggregate classification (germline): Likely benign (1 of 4 stars; one submission).

Allele frequency attached by ClinVar (database versions not stated): gnomAD 0.00001; TOPMed 0.00001; ExAC 0.00002; gnomAD exomes 0.00002; ESP Exome Variant Server 0.00008.

Submission:

CeGaT Center for Human Genetics Tuebingen
Classification: Likely benign. Last evaluated: 2023-01-01. Review status: criteria provided, single submitter. Criteria: CeGaT Center For Human Genetics Tuebingen Variant Classification Criteria Version 2. Collection method: clinical testing. Allele origin: germline. Affected: yes. Observed: 1 variant allele.
Comment: ATP13A5: BP4, BP7

NM_198505.4(ATP13A5):c.2970T>C (p.Ser990=)

Gene: ATP13A5 (ATPase 13A5; minus strand). Cytogenetic location: 3q29.
Variant type: single nucleotide variant.
Coding change: c.2970T>C on transcript NM_198505.4 (MANE Select); coding-DNA position 2970, T replaced by C.
Protein change: p.Ser990=; no amino-acid change (serine 990 retained).
Molecular consequence: synonymous variant.
Genome position (GRCh38, 1-based): chr3:193,289,938, A>G on the plus strand (T>C on the coding strand, the complement: ATP13A5 is on the minus strand). VCF-style: chr3-193289938-A-G. GRCh37 (hg19) VCF-style: chr3-193007727-A-G.
Identifiers: ClinVar variation 2654356 (VCV002654356.24), dbSNP rs143742369, ClinGen allele CA2756611.